The following is an entry in ClinVar:

ClinVar aggregate classification (germline): Uncertain significance. Review status: criteria provided, multiple submitters, no conflicts (2 of 4 stars). 2 submissions from 2 submitters: Uncertain significance (2). Last evaluated 2021-06-28.

Conditions:
Hereditary cancer-predisposing syndrome. Also called: Neoplastic Syndromes, Hereditary; Hereditary neoplastic syndrome; Hereditary Cancer Syndrome; Tumor predisposition. Identifiers: Orphanet 140162, MedGen C0027672, MeSH D009386, MONDO:0015356.
Peutz-Jeghers syndrome (PJS). Also called: Peutz-Jeghers polyposis; Periorificial lentiginosis syndrome; POLYPOSIS, HAMARTOMATOUS INTESTINAL; POLYPS-AND-SPOTS SYNDROME. Identifiers: Orphanet 2869, MedGen C0031269, MeSH D010580, MONDO:0008280, OMIM 175200.

Submissions (2):

Ambry Genetics
Classification: Uncertain significance for Hereditary cancer-predisposing syndrome. Last evaluated: 2021-06-28. Review status: criteria provided, single submitter. Criteria: Ambry Variant Classification Scheme 2023. Collection method: clinical testing. Allele origin: germline.
Comment: The p.H154Y variant (also known as c.460C>T), located in coding exon 3 of the STK11 gene, results from a C to T substitution at nucleotide position 460. The histidine at codon 154 is replaced by tyrosine, an amino acid with similar properties. This amino acid position is highly conserved in available vertebrate species. In addition, the in silico prediction for this alteration is inconclusive. Since supporting evidence is limited at this time, the clinical significance of this alteration remains unclear.

Labcorp Genetics (formerly Invitae), Labcorp
Classification: Uncertain significance for Peutz-Jeghers syndrome. Last evaluated: 2019-09-10. Review status: criteria provided, single submitter. Criteria: Invitae Variant Classification Sherloc (09022015). Collection method: clinical testing. Allele origin: germline.
Comment: This sequence change replaces histidine with tyrosine at codon 154 of the STK11 protein (p.His154Tyr). The histidine residue is highly conserved and there is a moderate physicochemical difference between histidine and tyrosine. This variant is not present in population databases (ExAC no frequency). This variant has not been reported in the literature in individuals with STK11-related conditions. Algorithms developed to predict the effect of missense changes on protein structure and function (SIFT, PolyPhen-2, Align-GVGD) all suggest that this variant is likely to be disruptive, but these predictions have not been confirmed by published functional studies and their clinical significance is uncertain. In summary, the available evidence is currently insufficient to determine the role of this variant in disease. Therefore, it has been classified as a Variant of Uncertain Significance.

NM_000455.5(STK11):c.460C>T (p.His154Tyr)

Gene: STK11 (serine/threonine kinase 11; plus strand). Cytogenetic location: 19p13.3.
Variant type: single nucleotide variant.
Coding change: c.460C>T on transcript NM_000455.5 (MANE Select); coding-DNA position 460, C replaced by T.
Protein change: p.His154Tyr; replaces histidine 154 with tyrosine.
Molecular consequence: missense variant.
Genome position (GRCh38, 1-based): chr19:1,219,409, C>T. VCF-style: chr19-1219409-C-T. GRCh37 (hg19) VCF-style: chr19-1219408-C-T.
Other names: short protein forms H154Y.
Identifiers: ClinVar variation 942078 (VCV000942078.12), dbSNP rs878853988, ClinGen allele CA402948387.
Genomic context (GRCh38, chr19:1,219,409, plus strand): 5'-TGTGGCATGCAGGAAATGCTGGACAGCGTGCCGGAGAAGCGTTTCCCAGTGTGCCAGGCC[C>T]ACGGGTGCGTGCGCGGGGCAGGGGCCAGGGTGGGGCGGGGGCCGGGGGCCAGGCAGGGCA-3'
Protein context (NP_000446.1, residues 144-164): PEKRFPVCQA[His154Tyr]GYFCQLIDGL